The following is an entry in ClinVar:

ClinVar aggregate classification (germline): Likely benign. Review status: criteria provided, multiple submitters, no conflicts (2 of 4 stars). 3 submissions from 3 submitters: Likely benign (2). 1 of the submissions does not count toward it. Last evaluated 2025-09-07.

Conditions:
Inborn genetic diseases. Identifiers: MedGen C0950123, MeSH D030342.
Tatton-Brown-Rahman overgrowth syndrome. Also called: Tall stature-intellectual disability-facial dysmorphism syndrome; Tatton-Brown-Rahman syndrome. Identifiers: Orphanet 404443, MedGen C4014545, MONDO:0014382, OMIM 615879.
DNMT3A-related disorder. Also called: DNMT3A-related disorders; DNMT3A-related condition.

Allele frequency attached by ClinVar (database versions not stated): gnomAD exomes 0.00001; TOPMed 0.00002; ExAC 0.00004.
gnomAD v4.1: 15 of 1,614,052 alleles (0.00093%); highest among the groups gnomAD compares: Middle Eastern, 0.017%; no homozygotes.

Submissions (3):

Labcorp Genetics (formerly Invitae), Labcorp
Classification: Likely benign for Tatton-Brown-Rahman overgrowth syndrome. Last evaluated: 2025-09-07. Review status: criteria provided, single submitter. Criteria: Invitae Variant Classification Sherloc (09022015). Collection method: clinical testing. Allele origin: germline.

Ambry Genetics
Classification: Likely benign for Inborn genetic diseases. Last evaluated: 2024-10-05. Review status: criteria provided, single submitter. Criteria: Ambry Variant Classification Scheme 2023. Collection method: clinical testing. Allele origin: germline.

PreventionGenetics, part of Exact Sciences
Classification: Likely benign for DNMT3A-related condition. Last evaluated: 2021-12-22. Review status: no assertion criteria provided. Collection method: clinical testing. Allele origin: germline. Not counted in ClinVar's aggregate classification.
Comment: This variant is classified as likely benign based on ACMG/AMP sequence variant interpretation guidelines (Richards et al. 2015 PMID: 25741868, with internal and published modifications).

NM_022552.5(DNMT3A):c.2682C>T (p.Ser894=)

Gene: DNMT3A (DNA methyltransferase 3 alpha; minus strand). Cytogenetic location: 2p23.3.
Variant type: single nucleotide variant.
Coding change: c.2682C>T on transcript NM_022552.5 (MANE Select); coding-DNA position 2682, C replaced by T.
Protein change: p.Ser894=; no amino-acid change (serine 894 retained).
Molecular consequence: synonymous variant. On other transcripts: non-coding transcript variant (1).
Genome position (GRCh38, 1-based): chr2:25,234,336, G>A on the plus strand (C>T on the coding strand, the complement: DNMT3A is on the minus strand). VCF-style: chr2-25234336-G-A. GRCh37 (hg19) VCF-style: chr2-25457205-G-A.
Other names: c.2682C>T (NM_022552.3); c.2226C>T, p.Ser742= (NM_001320893.1); c.2013C>T, p.Ser671= (NM_001375819.1); c.2115C>T, p.Ser705= (NM_153759.3); c.2682C>T, p.Ser894= (NM_175629.2).
Identifiers: ClinVar variation 2062469 (VCV002062469.7), dbSNP rs765347568, ClinGen allele CA1555475.